The following is an entry in ClinVar:

NM_000038.6(APC):c.3176A>T (p.Glu1059Val)

Gene: APC (APC regulator of Wnt signaling pathway; plus strand). Cytogenetic location: 5q22.2.
Variant type: single nucleotide variant.
Coding change: c.3176A>T on transcript NM_000038.6 (MANE Select); coding-DNA position 3176, A replaced by T.
Protein change: p.Glu1059Val; replaces glutamic acid 1059 with valine.
Molecular consequence: missense variant.
Genome position (GRCh38, 1-based): chr5:112,838,770, A>T. VCF-style: chr5-112838770-A-T. GRCh37 (hg19) VCF-style: chr5-112174467-A-T.
Other names: c.3176A>T, p.Glu1059Val (NM_001127510.3, NM_001354895.2); c.3122A>T, p.Glu1041Val (NM_001127511.3); c.3230A>T, p.Glu1077Val (NM_001354896.2); c.3206A>T, p.Glu1069Val (NM_001354897.2); c.3101A>T, p.Glu1034Val (NM_001354898.2); c.3092A>T, p.Glu1031Val (NM_001354899.2); c.3053A>T, p.Glu1018Val (NM_001354900.2); c.2999A>T, p.Glu1000Val (NM_001354901.2); and 5 more; short protein forms E1018V, E1069V, E1077V, E1041V, E1000V, E1031V, E1034V, E1059V.
Identifiers: ClinVar variation 836807 (VCV000836807.23), dbSNP rs1765352701, ClinGen allele CA16028295.

ClinVar aggregate classification (germline): Uncertain significance. Review status: criteria provided, multiple submitters, no conflicts (2 of 4 stars). 7 submissions from 7 submitters: Uncertain significance (7). Last evaluated 2025-10-15.

Conditions:
Classic or attenuated familial adenomatous polyposis. Identifiers: MedGen CN372698, MONDO:0021057.
Hereditary cancer-predisposing syndrome. Also called: Tumor predisposition; Hereditary Cancer Syndrome; Neoplastic Syndromes, Hereditary; Hereditary neoplastic syndrome. Identifiers: Orphanet 140162, MedGen C0027672, MeSH D009386, MONDO:0015356.
Familial adenomatous polyposis 1 (FAP1). Also called: POLYPOSIS, ADENOMATOUS INTESTINAL; FAMILIAL ADENOMATOUS POLYPOSIS 1, ATTENUATED. Identifiers: MedGen C2713442, MONDO:0021056, OMIM 175100. Disease mechanism: loss of function.
Desmoid disease, hereditary (DESMD). Also called: FIBROMATOSIS, FAMILIAL INFILTRATIVE. Identifiers: Orphanet 873, MedGen C1851124, OMIM 135290. Disease mechanism: loss of function.

Allele frequency attached by ClinVar (database versions not stated): gnomAD exomes below 0.00001; TOPMed below 0.00001.
gnomAD v4.1: 5 of 1,614,144 alleles (0.00031%); highest among the groups gnomAD compares: Non-Finnish European, 0.00034%; no homozygotes.

Submissions (7):

Praxis Für Humangenetik, Biosciencia MVZ Labor Saar
Classification: Uncertain significance for Hereditary cancer-predisposing syndrome. Last evaluated: 2025-10-15. Review status: criteria provided, single submitter. Criteria: ACMG Guidelines, 2015. Collection method: clinical testing. Allele origin: germline.
Comment: PM2, BP1

Ambry Genetics
Classification: Uncertain significance for Hereditary cancer-predisposing syndrome. Last evaluated: 2025-05-09. Review status: criteria provided, single submitter. Criteria: Ambry Variant Classification Scheme 2023. Collection method: clinical testing. Allele origin: germline.
Comment: The p.E1059V variant (also known as c.3176A>T), located in coding exon 15 of the APC gene, results from an A to T substitution at nucleotide position 3176. The glutamic acid at codon 1059 is replaced by valine, an amino acid with dissimilar properties. This amino acid position is highly conserved in available vertebrate species. In addition, in silico predictors for this gene do not accurately predict pathogenicity. Missense alterations in APC are not a common cause of disease (Spier I et al. Genet Med. 2024 Feb;26(2):100992). Based on the available evidence, the clinical significance of this variant remains unclear.

Labcorp Genetics (formerly Invitae), Labcorp
Classification: Uncertain significance for Familial adenomatous polyposis 1. Last evaluated: 2025-02-10. Review status: criteria provided, single submitter. Criteria: Invitae Variant Classification Sherloc (09022015). Collection method: clinical testing. Allele origin: germline.
Comment: This sequence change replaces glutamic acid, which is acidic and polar, with valine, which is neutral and non-polar, at codon 1059 of the APC protein (p.Glu1059Val). This variant is not present in population databases (gnomAD no frequency). This variant has not been reported in the literature in individuals affected with APC-related conditions. ClinVar contains an entry for this variant (Variation ID: 836807). Invitae Evidence Modeling of protein sequence and biophysical properties (such as structural, functional, and spatial information, amino acid conservation, physicochemical variation, residue mobility, and thermodynamic stability) indicates that this missense variant is not expected to disrupt APC protein function with a negative predictive value of 95%. In summary, the available evidence is currently insufficient to determine the role of this variant in disease. Therefore, it has been classified as a Variant of Uncertain Significance.

Department of Pathology and Laboratory Medicine, Sinai Health System
Classification: Uncertain significance for Familial adenomatous polyposis 1; Desmoid disease, hereditary. Last evaluated: 2024-01-18. Review status: criteria provided, single submitter. Criteria: ACMG Guidelines, 2015. Collection method: clinical testing. Allele origin: germline. Affected: yes.

All of Us Research Program, National Institutes of Health
Classification: Uncertain significance for Classic or attenuated familial adenomatous polyposis. Last evaluated: 2023-11-20. Review status: criteria provided, single submitter. Criteria: ACMG Guidelines, 2015. Collection method: clinical testing. Allele origin: germline. Inheritance: Autosomal dominant inheritance. Observed: 1 variant allele, 1 heterozygote.
Comment: This missense variant replaces glutamic acid with valine at codon 1059 of the APC protein. Computational prediction suggests that this variant may not impact protein structure and function (internally defined REVEL score threshold <= 0.5, PMID: 27666373). Splice site prediction tools suggest that this variant may not impact RNA splicing. To our knowledge, functional studies have not been performed for this variant. This variant has not been reported in individuals affected with hereditary cancer in the literature. This variant has not been identified in the general population by the Genome Aggregation Database (gnomAD). The available evidence is insufficient to determine the role of this variant in disease conclusively. Therefore, this variant is classified as a Variant of Uncertain Significance.

This study involves interpretation of variants in research participants for the purpose of population health screening. Participant phenotype was not available at the time of variant classification. Additional details can be found in publication PMID: 35346344, PMCID: PMC8962531

Color Diagnostics, LLC DBA Color Health
Classification: Uncertain significance for Hereditary cancer-predisposing syndrome. Last evaluated: 2023-11-02. Review status: criteria provided, single submitter. Criteria: ACMG Guidelines, 2015. Collection method: clinical testing. Allele origin: germline.
Comment: This missense variant replaces glutamic acid with valine at codon 1059 of the APC protein. Computational prediction suggests that this variant may not impact protein structure and function (internally defined REVEL score threshold <= 0.5, PMID: 27666373). To our knowledge, functional studies have not been reported for this variant. This variant has not been reported in individuals affected with APC-related disorders in the literature. This variant has not been identified in the general population by the Genome Aggregation Database (gnomAD). The available evidence is insufficient to determine the role of this variant in disease conclusively. Therefore, this variant is classified as a Variant of Uncertain Significance.

Baylor Genetics
Classification: Uncertain significance for Familial adenomatous polyposis 1. Last evaluated: 2023-07-21. Review status: criteria provided, single submitter. Criteria: ACMG Guidelines, 2015. Collection method: clinical testing. Allele origin: unknown.